The following is an entry in ClinVar:

ClinVar aggregate classification (germline): Uncertain significance. Review status: criteria provided, single submitter (1 of 4 stars). 2 submissions from 2 submitters: Uncertain significance (1). 1 of the submissions does not count toward it. Last evaluated 2025-02-25.

Conditions:
Duchenne muscular dystrophy (DMD). Also called: Duchenne Muscular Dystrophy (DMD); MUSCULAR DYSTROPHY, PSEUDOHYPERTROPHIC PROGRESSIVE, DUCHENNE TYPE. Identifiers: Orphanet 98896, MedGen C0013264, MONDO:0010679, OMIM 310200.
Cardiomyopathy (CMYO). Also called: Cardiomyopathies. Identifiers: Orphanet 167848, MedGen C0878544, MONDO:0004994, HP:0001638. Inheritance: Various modes of inheritance.
Dystrophin deficiency.
Becker muscular dystrophy (BMD). Also called: MUSCULAR DYSTROPHY, PSEUDOHYPERTROPHIC PROGRESSIVE, BECKER TYPE; Becker Muscular Dystrophy (BMD). Identifiers: Orphanet 98895, MedGen C0917713, MONDO:0010311, OMIM 300376.

Allele frequency attached by ClinVar (database versions not stated): TOPMed below 0.00001; gnomAD 0.00001.
gnomAD v4.1: 1 of 1,207,833 alleles (0.000083%); highest among the groups gnomAD compares: Non-Finnish European, 0.00011%; no homozygotes.

Submissions (2):

Labcorp Genetics (formerly Invitae), Labcorp
Classification: Uncertain significance for Duchenne muscular dystrophy. Last evaluated: 2025-02-25. Review status: criteria provided, single submitter. Criteria: Invitae Variant Classification Sherloc (09022015). Collection method: clinical testing. Allele origin: germline.
Comment: This sequence change replaces isoleucine, which is neutral and non-polar, with threonine, which is neutral and polar, at codon 1959 of the DMD protein (p.Ile1959Thr). This variant is not present in population databases (gnomAD no frequency). This variant has not been reported in the literature in individuals affected with DMD-related conditions. ClinVar contains an entry for this variant (Variation ID: 933827). Invitae Evidence Modeling of protein sequence and biophysical properties (such as structural, functional, and spatial information, amino acid conservation, physicochemical variation, residue mobility, and thermodynamic stability) indicates that this missense variant is not expected to disrupt DMD protein function with a negative predictive value of 95%. In summary, the available evidence is currently insufficient to determine the role of this variant in disease. Therefore, it has been classified as a Variant of Uncertain Significance.

Natera, Inc.
Classification: Uncertain significance for Becker muscular dystrophy; Cardiomyopathy; Duchenne muscular dystrophy; Dystrophin deficiency. Last evaluated: 2021-02-23. Review status: no assertion criteria provided. Collection method: clinical testing. Allele origin: germline. Not counted in ClinVar's aggregate classification.

NM_004006.3(DMD):c.5876T>C (p.Ile1959Thr)

Gene: DMD (dystrophin; minus strand). Cytogenetic location: Xp21.1.
Variant type: single nucleotide variant.
Coding change: c.5876T>C on transcript NM_004006.3 (MANE Select); coding-DNA position 5876, T replaced by C.
Protein change: p.Ile1959Thr; replaces isoleucine 1959 with threonine.
Molecular consequence: missense variant.
Genome position (GRCh38, 1-based): chrX:32,342,146, A>G on the plus strand (T>C on the coding strand, the complement: DMD is on the minus strand). VCF-style: chrX-32342146-A-G. GRCh37 (hg19) VCF-style: chrX-32360263-A-G.
Other names: c.5852T>C, p.Ile1951Thr (NM_000109.4); c.5864T>C, p.Ile1955Thr (NM_004009.3); c.5507T>C, p.Ile1836Thr (NM_004010.3); c.1853T>C, p.Ile618Thr (NM_004011.4); c.1844T>C, p.Ile615Thr (NM_004012.4); short protein forms I1836T, I615T, I1951T, I1955T, I1959T, I618T.
Identifiers: ClinVar variation 933827 (VCV000933827.9), dbSNP rs1306182225, ClinGen allele CA412664835.